The following is an entry in ClinVar:

NM_003151.4(STAT4):c.1844C>A (p.Ser615Tyr)

Gene: STAT4 (signal transducer and activator of transcription 4; minus strand). Cytogenetic location: 2q32.2.
Variant type: single nucleotide variant.
Coding change: c.1844C>A on transcript NM_003151.4 (MANE Select); coding-DNA position 1844, C replaced by A.
Protein change: p.Ser615Tyr; replaces serine 615 with tyrosine.
Molecular consequence: missense variant.
Genome position (GRCh38, 1-based): chr2:191,033,498, G>T on the plus strand (C>A on the coding strand, the complement: STAT4 is on the minus strand). VCF-style: chr2-191033498-G-T. GRCh37 (hg19) VCF-style: chr2-191898224-G-T.
Other names: c.1844C>A, p.Ser615Tyr (NM_001243835.2); short protein forms S615Y.
Identifiers: ClinVar variation 4761284 (VCV004761284.1).
Genomic context (GRCh38, chr2:191,033,498, plus strand): 5'-ACCAAATTTAAGAAAACTAATTTCACATGAATAAACATTAGTGAGTATATACCACTTTCA[G>T]AATGGTCCACCCAGGTGAAAGTTATTCCTCCGAGATGGCTTTCACTGAATCTTAATAAAA-3'
Protein context (NP_003142.1, residues 605-625): GGITFTWVDH[Ser615Tyr]ESGEVRFHSV

ClinVar aggregate classification (germline): Uncertain significance (1 of 4 stars; one submission).

gnomAD v4.1: 2 of 1,610,952 alleles (0.00012%); highest among the groups gnomAD compares: Non-Finnish European, 0.000085%; no homozygotes.

Submission:

Labcorp Genetics (formerly Invitae), Labcorp
Classification: Uncertain significance. Last evaluated: 2025-06-19. Review status: criteria provided, single submitter. Criteria: Invitae Variant Classification Sherloc (09022015). Collection method: clinical testing. Allele origin: germline.
Comment: This sequence change replaces serine, which is neutral and polar, with tyrosine, which is neutral and polar, at codon 615 of the STAT4 protein (p.Ser615Tyr). This variant is not present in population databases (gnomAD no frequency). This variant has not been reported in the literature in individuals affected with STAT4-related conditions. Invitae Evidence Modeling of protein sequence and biophysical properties (such as structural, functional, and spatial information, amino acid conservation, physicochemical variation, residue mobility, and thermodynamic stability) indicates that this missense variant is not expected to disrupt STAT4 protein function with a negative predictive value of 80%. In summary, the available evidence is currently insufficient to determine the role of this variant in disease. Therefore, it has been classified as a Variant of Uncertain Significance.